The following is an entry in ClinVar:

ClinVar aggregate classification (germline): Pathogenic (1 of 4 stars; one submission).

Submission:

Labcorp Genetics (formerly Invitae), Labcorp
Classification: Pathogenic. Last evaluated: 2024-02-20. Review status: criteria provided, single submitter. Criteria: Invitae Variant Classification Sherloc (09022015). Collection method: clinical testing. Allele origin: germline.
Comment: This sequence change creates a premature translational stop signal (p.Leu393Aspfs*4) in the HPS5 gene. It is expected to result in an absent or disrupted protein product. Loss-of-function variants in HPS5 are known to be pathogenic (PMID: 12548288, 15296495, 21833017, 26785811). This variant is not present in population databases (gnomAD no frequency). This variant has not been reported in the literature in individuals affected with HPS5-related conditions. For these reasons, this variant has been classified as Pathogenic.

Literature cited by the submitters: PubMed 12548288; PubMed 15296495; PubMed 21833017; PubMed 26785811.

NM_181507.2(HPS5):c.1177_1178del (p.Leu393fs)

Gene: HPS5 (HPS5 biogenesis of lysosomal organelles complex 2 subunit 2; minus strand). Cytogenetic location: 11p15.1.
Variant type: Deletion.
Coding change: c.1177_1178del on transcript NM_181507.2 (MANE Select); coding-DNA positions 1177 to 1178, 2 bases deleted (TT; older notation c.1177_1178delTT).
Protein change: p.Leu393fs; shifts the reading frame from leucine 393.
Molecular consequence: frameshift variant.
Genome position (GRCh38, 1-based): chr11:18,297,704-18,297,705, AA deleted on the plus strand (TT on the coding strand, the reverse complement: HPS5 is on the minus strand); deleting any 2 consecutive bases within chr11:18,297,704-18,297,706 gives the same sequence; the c. name uses the placement nearest the transcript's 3' end. VCF-style (leftmost placement, unchanged base first): chr11-18297703-CAA-C. GRCh37 (hg19) VCF-style: chr11-18319250-CAA-C.
Other names: c.835_836del, p.Leu279fs (NM_007216.4); c.834_835delTT, p.Leu279Aspfs (NM_181508.2); short protein forms L393fs, L279fs.
Identifiers: ClinVar variation 3669507 (VCV003669507.2).